The following is an entry in ClinVar:

ClinVar aggregate classification (germline): Benign/Likely benign. Review status: criteria provided, multiple submitters, no conflicts (2 of 4 stars). 4 submissions from 4 submitters: Benign (2); Likely benign (2). Last evaluated 2026-01-24.

Submissions (4):

Labcorp Genetics (formerly Invitae), Labcorp
Classification: Benign. Last evaluated: 2026-01-24. Review status: criteria provided, single submitter. Criteria: Invitae Variant Classification Sherloc (09022015). Collection method: clinical testing. Allele origin: germline.

Blueprint Genetics
Classification: Likely benign. Last evaluated: 2024-08-28. Review status: criteria provided, single submitter. Criteria: ACMG Guidelines, 2015. Collection method: clinical testing. Allele origin: germline.

GeneDx
Classification: Likely benign. Last evaluated: 2020-10-22. Review status: criteria provided, single submitter. Criteria: GeneDx Variant Classification Process June 2021. Collection method: clinical testing. Allele origin: germline. Affected: yes.

Laboratory for Molecular Medicine, Mass General Brigham Personalized Medicine
Classification: Benign. Last evaluated: 2015-05-15. Review status: criteria provided, single submitter. Criteria: LMM Criteria. Collection method: clinical testing. Allele origin: germline. Observed: 1 variant allele.
Comment: c.1666-11CCT[2] in intron 17 of COL11A2: This variant is not expected to have cl inical significance because it has been identified in 0.7% (67/9276) of African chromosomes, including to homozygote individuals, by the Exome Aggregation Cons ortium (ExAC; dbSNP rs147815324).

NM_080680.3(COL11A2):c.1666-11CCT[2]

Gene: COL11A2 (collagen type XI alpha 2 chain; minus strand). Cytogenetic location: 6p21.32.
Variant type: Microsatellite.
Coding change: c.1666-11CCT[2] on transcript NM_080680.3 (MANE Select); two copies in a row of the 3-base unit CCT starting at c.1666-11; the reference has three copies in a row; one copy, 3 bases deleted.
Molecular consequence: intron variant.
Genome position (GRCh38, 1-based): chr6:33,178,735-33,178,737, AGG deleted on the plus strand (CCT on the coding strand, the reverse complement: COL11A2 is on the minus strand); deleting any 3 consecutive bases within chr6:33,178,735-33,178,744 gives the same sequence; the position shown is the placement nearest the transcript's 3' end. VCF-style (leftmost placement, unchanged base first): chr6-33178734-TAGG-T. GRCh37 (hg19) VCF-style: chr6-33146511-TAGG-T.
Other names: c.1345-11CCT[2] (NM_080679.3); c.1408-11CCT[2] (NM_080681.3).
Identifiers: ClinVar variation 226531 (VCV000226531.19), dbSNP rs147815324, ClinGen allele CA3751252.